The following is an entry in ClinVar:

NM_030777.4(SLC2A10):c.977G>A (p.Gly326Asp)

Gene: SLC2A10 (solute carrier family 2 member 10; plus strand). Cytogenetic location: 20q13.12.
Variant type: single nucleotide variant.
Coding change: c.977G>A on transcript NM_030777.4 (MANE Select); coding-DNA position 977, G replaced by A.
Protein change: p.Gly326Asp; replaces glycine 326 with aspartic acid.
Molecular consequence: missense variant.
Genome position (GRCh38, 1-based): chr20:46,726,013, G>A. VCF-style: chr20-46726013-G-A. GRCh37 (hg19) VCF-style: chr20-45354652-G-A.
Other names: short protein forms G326D.
Identifiers: ClinVar variation 2103140 (VCV002103140.4), dbSNP rs1366164834, ClinGen allele CA409268791.

ClinVar aggregate classification (germline): Uncertain significance (1 of 4 stars; one submission).

Conditions:
Arterial tortuosity syndrome (ATORS). Identifiers: Orphanet 3342, MedGen C1859726, MONDO:0008818, OMIM 208050.

Allele frequency attached by ClinVar (database versions not stated): gnomAD exomes below 0.00001; TOPMed 0.00001; gnomAD 0.00002.
gnomAD v4.1: 6 of 1,613,886 alleles (0.00037%); highest among the groups gnomAD compares: African/African-American, 0.0053%; no homozygotes.

Submission:

Labcorp Genetics (formerly Invitae), Labcorp
Classification: Uncertain significance for Arterial tortuosity syndrome. Last evaluated: 2022-03-21. Review status: criteria provided, single submitter. Criteria: Invitae Variant Classification Sherloc (09022015). Collection method: clinical testing. Allele origin: germline.
Comment: This variant has not been reported in the literature in individuals affected with SLC2A10-related conditions. Advanced modeling of protein sequence and biophysical properties (such as structural, functional, and spatial information, amino acid conservation, physicochemical variation, residue mobility, and thermodynamic stability) performed at Invitae indicates that this missense variant is not expected to disrupt SLC2A10 protein function. In summary, the available evidence is currently insufficient to determine the role of this variant in disease. Therefore, it has been classified as a Variant of Uncertain Significance. This sequence change replaces glycine, which is neutral and non-polar, with aspartic acid, which is acidic and polar, at codon 326 of the SLC2A10 protein (p.Gly326Asp). This variant is present in population databases (no rsID available, gnomAD 0.01%).